The following is an entry in ClinVar:

NM_002350.4(LYN):c.643G>A (p.Ala215Thr)

Gene: LYN (LYN proto-oncogene, Src family tyrosine kinase; plus strand). Cytogenetic location: 8q12.1.
Variant type: single nucleotide variant.
Coding change: c.643G>A on transcript NM_002350.4 (MANE Select); coding-DNA position 643, G replaced by A.
Protein change: p.Ala215Thr; replaces alanine 215 with threonine.
Molecular consequence: missense variant.
Genome position (GRCh38, 1-based): chr8:55,953,837, G>A. VCF-style: chr8-55953837-G-A. GRCh37 (hg19) VCF-style: chr8-56866396-G-A.
Other names: c.580G>A, p.Ala194Thr (NM_001111097.3); short protein forms A194T, A215T.
Identifiers: ClinVar variation 2057512 (VCV002057512.4), dbSNP rs748124598, ClinGen allele CA4754082.

ClinVar aggregate classification (germline): Uncertain significance (1 of 4 stars; one submission).

Allele frequency attached by ClinVar (database versions not stated): gnomAD exomes below 0.00001; TOPMed below 0.00001; ExAC 0.00001.
gnomAD v4.1: 1 of 1,613,668 alleles (0.000062%); highest among the groups gnomAD compares: Non-Finnish European, 0.000085%; no homozygotes.

Submission:

Labcorp Genetics (formerly Invitae), Labcorp
Classification: Uncertain significance. Last evaluated: 2024-01-02. Review status: criteria provided, single submitter. Criteria: Invitae Variant Classification Sherloc (09022015). Collection method: clinical testing. Allele origin: germline.
Comment: This sequence change replaces alanine, which is neutral and non-polar, with threonine, which is neutral and polar, at codon 215 of the LYN protein (p.Ala215Thr). This variant is present in population databases (rs748124598, gnomAD no frequency). This variant has not been reported in the literature in individuals affected with LYN-related conditions. ClinVar contains an entry for this variant (Variation ID: 2057512). An algorithm developed to predict the effect of missense changes on protein structure and function (PolyPhen-2) suggests that this variant is likely to be tolerated. In summary, the available evidence is currently insufficient to determine the role of this variant in disease. Therefore, it has been classified as a Variant of Uncertain Significance.